The following is an entry in ClinVar:

ClinVar aggregate classification (germline): Likely pathogenic. Review status: criteria provided, multiple submitters, no conflicts (2 of 4 stars). 2 submissions from 2 submitters: Likely pathogenic (2). Last evaluated 2025-08-21.

Conditions:
Autosomal recessive Alport syndrome (ATS2). Also called: COL4A4 Alport Syndrome and Thin Basement Membrane Nephropathy; Alport syndrome type 2; ALPORT SYNDROME 2, AUTOSOMAL RECESSIVE; COL4A3-Related Nephropathy. Identifiers: Orphanet 63, Orphanet 88919, MedGen C4746745, MONDO:0008762, OMIM 203780.
Hematuria, benign familial, 1 (BFH1). Also called: THIN MEMBRANE NEPHROPATHY. Identifiers: MedGen CN376803, MONDO:0007709, OMIM 141200.
Alport syndrome. Also called: Hemorrhagic familial nephritis; Hemorrhagic hereditary nephritis; Congenital hereditary hematuria. Identifiers: Orphanet 63, MedGen C1567741, MONDO:0018965.

gnomAD v4.1: 6 of 1,613,858 alleles (0.00037%); highest among the groups gnomAD compares: African/African-American, 0.008%; no homozygotes.

Submissions (2):

Natera, Inc.
Classification: Likely pathogenic for Alport syndrome. Last evaluated: 2025-08-21. Review status: criteria provided, single submitter. Criteria: Natera Variant Classification Schema (03/2026). Collection method: clinical testing. Allele origin: germline.
Comment: The c.203G>T variant in COL4A4 is a missense variant predicted to cause substitution of glycine to valine at amino acid 68. This variant is rare in the general population with a frequency below the threshold expected for the associated phenotype(s). This variant is located in a functionally critical region of the protein. Computational prediction algorithms indicate this variant is likely to affect gene or protein function. Given the available evidence, this variant is classified as Likely Pathogenic.

Fulgent Genetics
Classification: Likely pathogenic for Hematuria, benign familial, 1; Autosomal recessive Alport syndrome. Last evaluated: 2024-03-06. Review status: criteria provided, single submitter. Criteria: ACMG Guidelines, 2015. Collection method: clinical testing. Allele origin: germline.

NM_000092.5(COL4A4):c.203G>T (p.Gly68Val)

Gene: COL4A4 (collagen type IV alpha 4 chain; minus strand). Cytogenetic location: 2q36.3.
Variant type: single nucleotide variant.
Coding change: c.203G>T on transcript NM_000092.5 (MANE Select); coding-DNA position 203, G replaced by T.
Protein change: p.Gly68Val; replaces glycine 68 with valine.
Molecular consequence: missense variant.
Genome position (GRCh38, 1-based): chr2:227,121,138, C>A on the plus strand (G>T on the coding strand, the complement: COL4A4 is on the minus strand). VCF-style: chr2-227121138-C-A. GRCh37 (hg19) VCF-style: chr2-227985854-C-A.
Other names: short protein forms G68V.
Identifiers: ClinVar variation 3585949 (VCV003585949.2).